The following is an entry in ClinVar:

ClinVar aggregate classification (germline): Pathogenic (1 of 4 stars; one submission).

Conditions:
Primary ciliary dyskinesia 3. Identifiers: Orphanet 244, MedGen C1837618, MONDO:0012085, OMIM 608644.

Submission:

Myriad Genetics, Inc.
Classification: Pathogenic for Primary ciliary dyskinesia 3. Last evaluated: 2026-06-09. Review status: criteria provided, single submitter. Criteria: Myriad Autosomal Dominant, Autosomal Recessive and X-Linked Classification Criteria (2023). Collection method: clinical testing. Allele origin: unknown.
Comment: NM_001369.2(DNAH5):c.3290delT(L1097Yfs*21) is expected to be pathogenic in the context of primary ciliary dyskinesia, DNAH5-related. This variant is predicted to lead to an abnormal or absent protein product due to the creation of a premature termination codon in DNAH5, a gene where loss-of-function variants are known to be pathogenic. Please note: this variant was assessed in the context of healthy population screening.

NM_001369.3(DNAH5):c.3290del (p.Leu1097fs)

Genes: DNAH5 (dynein axonemal heavy chain 5; minus strand), DNAH5-AS1 (DNAH5 antisense RNA 1; plus strand). Cytogenetic location: 5p15.2.
Variant type: Deletion.
Coding change: c.3290del on transcript NM_001369.3 (MANE Select); coding-DNA position 3290, one base deleted (T; older notation c.3290delT).
Protein change: p.Leu1097fs; shifts the reading frame from leucine 1097.
Molecular consequence: frameshift variant.
Genome position (GRCh38, 1-based): chr5:13,876,790, A deleted on the plus strand (T on the coding strand, the reverse complement: DNAH5 is on the minus strand); the first of 3 consecutive A bases (chr5:13,876,790-13,876,792); deleting any one gives the same sequence. VCF-style (leftmost placement, unchanged base first): chr5-13876789-TA-T. GRCh37 (hg19) VCF-style: chr5-13876898-TA-T.
Other names: short protein forms L1097fs.
Identifiers: ClinVar variation 5016009 (VCV005016009.1).